The following is an entry in ClinVar:

ClinVar aggregate classification (germline): Uncertain significance (1 of 4 stars; one submission).

Conditions:
MHC class II deficiency. Also called: Bare lymphocyte syndrome 2; BLS, TYPE II. Identifiers: Orphanet 572, MedGen C5447452, MONDO:0008855.

Allele frequency attached by ClinVar (database versions not stated): TOPMed 0.00001; gnomAD 0.00001.
gnomAD v4.1: 11 of 1,613,948 alleles (0.00068%); highest among the groups gnomAD compares: Non-Finnish European, 0.00068%; no homozygotes.

Submission:

Labcorp Genetics (formerly Invitae), Labcorp
Classification: Uncertain significance for MHC class II deficiency. Last evaluated: 2022-07-19. Review status: criteria provided, single submitter. Criteria: Invitae Variant Classification Sherloc (09022015). Collection method: clinical testing. Allele origin: germline.
Comment: This sequence change replaces alanine, which is neutral and non-polar, with threonine, which is neutral and polar, at codon 1043 of the CIITA protein (p.Ala1043Thr). The frequency data for this variant in the population databases is considered unreliable, as metrics indicate poor data quality at this position in the gnomAD database. This variant has not been reported in the literature in individuals affected with CIITA-related conditions. ClinVar contains an entry for this variant (Variation ID: 1499559). Algorithms developed to predict the effect of missense changes on protein structure and function are either unavailable or do not agree on the potential impact of this missense change (SIFT: "Deleterious"; PolyPhen-2: "Possibly Damaging"; Align-GVGD: "Class C0"). In summary, the available evidence is currently insufficient to determine the role of this variant in disease. Therefore, it has been classified as a Variant of Uncertain Significance.

NM_000246.4(CIITA):c.3127G>A (p.Ala1043Thr)

Gene: CIITA (class II major histocompatibility complex transactivator; plus strand). Cytogenetic location: 16p13.13.
Variant type: single nucleotide variant.
Coding change: c.3127G>A on transcript NM_000246.4 (MANE Select); coding-DNA position 3127, G replaced by A.
Protein change: p.Ala1043Thr; replaces alanine 1043 with threonine.
Molecular consequence: missense variant. On other transcripts: non-coding transcript variant (1).
Genome position (GRCh38, 1-based): chr16:10,918,504, G>A. VCF-style: chr16-10918504-G-A. GRCh37 (hg19) VCF-style: chr16-11012361-G-A.
Other names: c.3130G>A, p.Ala1044Thr (NM_001286402.1, NM_001379332.1); c.1375G>A, p.Ala459Thr (NM_001286403.2); c.2983G>A, p.Ala995Thr (NM_001379330.1); c.2980G>A, p.Ala994Thr (NM_001379331.1); c.3127G>A, p.Ala1043Thr (NM_001379333.1); c.3058G>A, p.Ala1020Thr (NM_001379334.1); short protein forms A1020T, A1044T, A994T, A995T, A1043T, A459T.
Identifiers: ClinVar variation 1499559 (VCV001499559.5), dbSNP rs1216256055, ClinGen allele CA394722806.
Genomic context (GRCh38, chr16:10,918,504, plus strand): 5'-TCCCAGAACAACATCACTGACCTGGGTGCCTACAAACTCGCCGAGGCCCTGCCTTCGCTC[G>A]CTGCATCCCTGCTCAGGCTAAGGTGAGTGGGGCCCCGGATACCGGTCAGGTGCTGAGCTG-3'
Protein context (NP_000237.2, residues 1033-1053): YKLAEALPSL[Ala1043Thr]ASLLRLSLYN